The following is an entry in ClinVar:

NM_003070.5(SMARCA2):c.4507C>T (p.Arg1503Trp)

Gene: SMARCA2 (SWI/SNF related BAF chromatin remodeling complex subunit ATPase 2; plus strand). Cytogenetic location: 9p24.3.
Variant type: single nucleotide variant.
Coding change: c.4507C>T on transcript NM_003070.5 (MANE Select); coding-DNA position 4507, C replaced by T.
Protein change: p.Arg1503Trp; replaces arginine 1503 with tryptophan.
Molecular consequence: missense variant.
Genome position (GRCh38, 1-based): chr9:2,186,141, C>T. VCF-style: chr9-2186141-C-T. GRCh37 (hg19) VCF-style: chr9-2186141-C-T.
Other names: c.4507C>T, p.Arg1503Trp (NM_001289396.2); c.4279C>T, p.Arg1427Trp (NM_001289397.2); c.481C>T, p.Arg161Trp (NM_001289398.2); c.565C>T, p.Arg189Trp (NM_001289399.2); c.571C>T, p.Arg191Trp (NM_001289400.2); c.4453C>T, p.Arg1485Trp (NM_139045.4); short protein forms R1427W, R1485W, R1503W, R161W, R189W, R191W.
Identifiers: ClinVar variation 4074726 (VCV004074726.1).

ClinVar aggregate classification (germline): Uncertain significance (1 of 4 stars; one submission).

Conditions:
Blepharophimosis-impaired intellectual development syndrome. Identifiers: Orphanet 637013, MedGen C5443984, MONDO:0859139, OMIM 619293.
Nicolaides-Baraitser syndrome (NCBRS). Also called: Intellectual disability-sparse hair-brachydactyly syndrome; SMARCA2-Related Nicolaides-Baraitser Syndrome. Identifiers: Orphanet 3051, MedGen C1303073, MONDO:0011053, OMIM 601358.

Submission:

Institute of Immunology and Genetics Kaiserslautern
Classification: Uncertain significance for Nicolaides-Baraitser syndrome; Blepharophimosis-impaired intellectual development syndrome. Last evaluated: 2025-06-03. Review status: criteria provided, single submitter. Criteria: ACMG Guidelines, 2015. Collection method: clinical testing. Allele origin: germline. Affected: yes.
Comment: ACMG Criteria: PM2_P; Variant was found in heterozygous state.